The following is an entry in ClinVar:

NM_001367721.1(CASK):c.2191GTA[1] (p.Val732del)

Gene: CASK (calcium/calmodulin dependent serine protein kinase; minus strand). Cytogenetic location: Xp11.4.
Variant type: Microsatellite.
Coding change: c.2191GTA[1] on transcript NM_001367721.1 (MANE Select); one copy of the 3-base unit GTA starting at c.2191; the reference has two copies in a row; one copy, 3 bases deleted.
Protein change: p.Val732del; deletes valine 732.
Molecular consequence: inframe deletion. On other transcripts: inframe indel (4).
Genome position (GRCh38, 1-based): chrX:41,534,933-41,534,935, TAC deleted on the plus strand (GTA on the coding strand, the reverse complement: CASK is on the minus strand); deleting any 3 consecutive bases within chrX:41,534,933-41,534,939 gives the same sequence; the position shown is the placement nearest the transcript's 3' end. VCF-style (leftmost placement, unchanged base first): chrX-41534932-TTAC-T. GRCh37 (hg19) VCF-style: chrX-41394185-TTAC-T.
Other names: c.2106_2108AGT[1], p.Val704del (NM_001126054.3); c.2103_2105AGT[1], p.Val703del (NM_001126055.3); c.2172_2174AGT[1], p.Val726del (NM_001410745.1); c.2175_2177AGT[1], p.Val727del (NM_003688.4); c.2179_2181delGTA (NM_003688.3); short protein forms V727del, V704del, V732del, V703del, V726del.
Identifiers: ClinVar variation 423552 (VCV000423552.2), dbSNP rs1064796488, ClinGen allele CA16621397.

ClinVar aggregate classification (germline): Pathogenic (1 of 4 stars; one submission).

Submission:

GeneDx
Classification: Pathogenic. Last evaluated: 2018-10-23. Review status: criteria provided, single submitter. Criteria: GeneDx Variant Classification (06012015). Collection method: clinical testing. Allele origin: germline. Affected: yes.
Comment: The c.2179_2181delGTA variant in the CASK gene has not been reported previously as a pathogenic variant, nor as a benign variant, to our knowledge. The c.2179_2181delGTA variant causes an inframe deletion of codon Valine 727, denoted p.Val727del. The c.2179_2181delGTA variant is not observed in large population cohorts (Lek et al., 2016; 1000 Genomes Consortium et al., 2015; Exome Variant Server). This deletion occurs at a position that is conserved across species. We interpret c.2179_2181delGTA as a pathogenic variant.